The following continues an entry in ClinVar:

NM_000478.6(ALPL):c.979T>C (p.Phe327Leu)

Gene: ALPL. ClinVar aggregate classification (germline): Pathogenic/Likely pathogenic. Pathogenic (12); Likely pathogenic (4).

Submissions 12 to 18 of 18:

Illumina Laboratory Services, Illumina
Classification: Pathogenic for Hypophosphatasia. Last evaluated: 2018-08-09. Review status: criteria provided, single submitter. Criteria: ICSL Variant Classification Criteria 09 May 2019. Collection method: clinical testing. Allele origin: germline.
Comment: The ALPL c.979T>C (p.Phe327Leu) missense variant is also described in the literature as p.Phe310Leu. Across a selection of the available literature, the p.Phe327Leu variant has been identified in a compound heterozygous state in at least 12 individuals with hypophosphatasia (Ozono et al. 1996; Takinami et al. 2004; Taketani et al. 2014). The p.Phe327Leu variant was also identified in a heterozygous state in two parents of affected probands who were found to have low ALP levels, but mild to absent clinical features (Ozono et al. 1996; Takinami et al. 2004). The p.Phe327Leu variant was absent from at least 40 control individuals and is reported at a frequency of 0.00111 in the East Asian population of the Genome Aggregation Database. Expression of the p.Phe327Leu variant in COS-7 cells resulted in ALP activity that was approximately 65% of wild type (Ozono et al. 1996; Takinami et al. 2004). The p.Phe327Leu variant was also significantly more heat labile than wild type (Takinami et al. 2004). Based on the collective evidence, the p.Phe327Leu variant is classified as pathogenic for hypophosphatasia. This variant was observed by ICSL as part of a predisposition screen in an ostensibly healthy population.

SIB Swiss Institute of Bioinformatics
Classification: Likely pathogenic for Adult hypophosphatasia. Last evaluated: 2018-05-31. Review status: criteria provided, single submitter. Criteria: ACMG Guidelines, 2015. Collection method: curation. Allele origin: unknown.
Comment: This variant is interpreted as a Likely Pathogenic, for Hypophosphatasia, in Autosomal Recessive manner. The following ACMG Tag(s) were applied: PP3 => Multiple lines of computational evidence support a deleterious effect on the gene or gene product. PM2 => Absent from controls (or at extremely low frequency if recessive) in Exome Sequencing Project, 1000 Genomes Project, or Exome Aggregation Consortium. PS3 => Well-established functional studies show a deleterious effect (PMID:18455459).

Women's Health and Genetics/Laboratory Corporation of America, LabCorp
Classification: Pathogenic for Hypophosphatasia. Last evaluated: 2017-03-30. Review status: criteria provided, single submitter. Criteria: LabCorp Variant Classification Summary - May 2015. Collection method: clinical testing. Allele origin: germline.
Comment: Variant summary: The ALPL c.979T>C (p.Phe327Leu) variant involves the alteration of a conserved nucleotide. 3/4 in silico tools predict a damaging outcome for this variant (SNPs&GO not captured due to low reliability index). This variant was found in 7/120210 control chromosomes at a frequency of 0.0000582, which does not exceed the estimated maximal expected allele frequency of a pathogenic ALPL variant (0.0035355). This variant has been identified as one of the most frequent mutations in patients with mild type hypophosphatasia in Japan. Functional study showed that this variant resulted in decreased enzyme activity and mineralization in cultured cells. In addition, multiple clinical diagnostic laboratories/reputable databases classified this variant as pathogenic. Taken together, this variant is classified as pathogenic.

Eurofins Ntd Llc (ga)
Classification: Pathogenic. Last evaluated: 2016-06-28. Review status: criteria provided, single submitter. Criteria: EGL Classification Definitions 2015. Collection method: clinical testing. Allele origin: germline. Observed: 1 variant allele, 1 heterozygote.

Juno Genomics, Hangzhou Juno Genomics, Inc
Classification: Pathogenic for Adult hypophosphatasia; Childhood hypophosphatasia; Infantile hypophosphatasia. Review status: criteria provided, single submitter. Criteria: ACMG Guidelines, 2015. Collection method: clinical testing. Allele origin: germline. Affected: yes.
Comment: For recessive disorders, detected in trans with a pathogenic variant.;Patient's phenotype or family history is highly specific for a disease with a single genetic etiology.;Well-established in vitro or in vivo functional studies supportive of a damaging effect on the gene or gene product.

OMIM
Classification: Pathogenic for HYPOPHOSPHATASIA, INFANTILE. Last evaluated: 1996-12-01. Review status: no assertion criteria provided. Collection method: literature only. Allele origin: germline. Not counted in ClinVar's aggregate classification.

GeneReviews
No classification provided. Condition: Hypophosphatasia. Review status: no classification provided. Collection method: literature only. Allele origin: germline. Affected: yes. Not counted in ClinVar's aggregate classification.

Literature cited by the submitters: PubMed 8954059 (cited by 5 submitters); PubMed 9814472 (cited by Labcorp Genetics (formerly Invitae), Labcorp and Genomenon, Inc); PubMed 12412800 (cited by Labcorp Genetics (formerly Invitae), Labcorp); PubMed 15660230 (cited by 4 submitters); PubMed 15137467 (cited by 4 submitters); PubMed 17916236 (cited by Labcorp Genetics (formerly Invitae), Labcorp); PubMed 18455459 (cited by 5 submitters); PubMed 24276437 (cited by 5 submitters); PubMed 33827627 (cited by Natera, Inc.); PubMed 33391183 (cited by Natera, Inc. and Genomenon, Inc); PubMed 31707452 (cited by Genomenon, Inc); PubMed 31600233 (cited by Genomenon, Inc); PubMed 9452105 (cited by Genomenon, Inc and Myriad Genetics, Inc.); PubMed 24145968 (cited by Genomenon, Inc and JKU Lab, Dept of Paediatrics, Johannes Kepler University); PubMed 32390219 (cited by Genomenon, Inc); PubMed 31014398 (cited by Genomenon, Inc); PubMed 10397525 (cited by Genomenon, Inc); PubMed 31760938 (cited by Genomenon, Inc); PubMed 32714398 (cited by JKU Lab, Dept of Paediatrics, Johannes Kepler University); PubMed 25023282 (cited by Women's Health and Genetics/Laboratory Corporation of America, LabCorp); NCBI Bookshelf NBK1150 (cited by GeneReviews).